The following is an entry in ClinVar:

NM_006939.4(SOS2):c.1853-194C>T

Gene: SOS2 (SOS Ras/Rho guanine nucleotide exchange factor 2; minus strand). Cytogenetic location: 14q21.3.
Variant type: single nucleotide variant.
Coding change: c.1853-194C>T on transcript NM_006939.4 (MANE Select); 194 bases into the intron before coding-DNA position 1853, C replaced by T.
Molecular consequence: intron variant.
Genome position (GRCh38, 1-based): chr14:50,158,840, G>A on the plus strand (C>T on the coding strand, the complement: SOS2 is on the minus strand). VCF-style: chr14-50158840-G-A. GRCh37 (hg19) VCF-style: chr14-50625558-G-A.
Identifiers: ClinVar variation 1691762 (VCV001691762.2), dbSNP rs192869899, ClinGen allele CA260735401.
Genomic context (GRCh38, chr14:50,158,840, plus strand): 5'-TCATGGTACTGGCAGGATACCATGGTATCCCTGCCATACATAGAGAAATACTGACATAGA[G>A]AATATACTATGGTATATCCTTAATAAGCGAGGATTGTTTTCAAATTTGAAATTCATGAAT-3'

ClinVar aggregate classification (germline): Likely benign (1 of 4 stars; one submission).

Allele frequency attached by ClinVar (database versions not stated): gnomAD 0.00277 and 0.00291; 1000 Genomes Project 30x 0.00297; 1000 Genomes Project 0.00300.
gnomAD v4.1: 416 of 152,152 alleles (0.27%); highest among the groups gnomAD compares: African/African-American, 0.96%; no homozygotes.

Submission:

GeneDx
Classification: Likely benign. Last evaluated: 2021-12-14. Review status: criteria provided, single submitter. Criteria: GeneDx Variant Classification Process June 2021. Collection method: clinical testing. Allele origin: germline. Affected: yes.
Comment: See Variant Classification Assertion Criteria.